The following is an entry in ClinVar:

NM_000673.7(ADH7):c.121-6A>G

Gene: ADH7 (alcohol dehydrogenase 7 (class IV), mu or sigma polypeptide; minus strand). Cytogenetic location: 4q23.
Variant type: single nucleotide variant.
Coding change: c.121-6A>G on transcript NM_000673.7 (MANE Select); 6 bases into the intron before coding-DNA position 121, A replaced by G.
Molecular consequence: intron variant.
Genome position (GRCh38, 1-based): chr4:99,428,636, T>C on the plus strand (A>G on the coding strand, the complement: ADH7 is on the minus strand). VCF-style: chr4-99428636-T-C. GRCh37 (hg19) VCF-style: chr4-100349793-T-C.
Other names: c.181-6A>G (NM_001166504.2).
Identifiers: ClinVar variation 3037249 (VCV003037249.2), dbSNP rs72681953, ClinGen allele CA3020924.

ClinVar aggregate classification (germline): Benign (0 of 4 stars; one submission).

Conditions:
ADH7-related disorder. Also called: ADH7-related condition.

Allele frequency attached by ClinVar (database versions not stated): 1000 Genomes Project 0.00719; 1000 Genomes Project 30x 0.00796; TOPMed 0.01131; gnomAD 0.01239; ExAC 0.01333; ESP Exome Variant Server 0.01422; gnomAD exomes 0.01585.
gnomAD v4.1: 24,907 of 1,610,188 alleles (1.5%); highest among the groups gnomAD compares: Middle Eastern, 2.1%; 237 homozygotes.

Submission:

PreventionGenetics, part of Exact Sciences
Classification: Benign for ADH7-related condition. Last evaluated: 2019-10-30. Review status: no assertion criteria provided. Collection method: clinical testing. Allele origin: germline.
Comment: This variant is classified as benign based on ACMG/AMP sequence variant interpretation guidelines (Richards et al. 2015 PMID: 25741868, with internal and published modifications).